The following is an entry in ClinVar:

NM_181741.4(ORC4):c.89G>A (p.Arg30His)

Gene: ORC4 (origin recognition complex subunit 4; minus strand). Cytogenetic location: 2q23.1.
Variant type: single nucleotide variant.
Coding change: c.89G>A on transcript NM_181741.4 (MANE Select); coding-DNA position 89, G replaced by A.
Protein change: p.Arg30His; replaces arginine 30 with histidine.
Molecular consequence: missense variant. On other transcripts: 5 prime UTR variant (2), intron variant (1).
Genome position (GRCh38, 1-based): chr2:147,973,493, C>T on the plus strand (G>A on the coding strand, the complement: ORC4 is on the minus strand). VCF-style: chr2-147973493-C-T. GRCh37 (hg19) VCF-style: chr2-148731062-C-T.
Other names: c.-229G>A (NM_001374272.1); c.89G>A, p.Arg30His (NM_002552.5, NM_181742.5, NM_001190879.3 and 1 more transcripts); c.-27-14627G>A (NM_001190881.3); c.-134G>A (NM_001190882.3); short protein forms R30H.
Identifiers: ClinVar variation 1419966 (VCV001419966.3), dbSNP rs772451669, ClinGen allele CA1899734.

ClinVar aggregate classification (germline): Uncertain significance (1 of 4 stars; one submission).

Allele frequency attached by ClinVar (database versions not stated): ExAC 0.00002; gnomAD exomes 0.00002 and 0.00004; TOPMed 0.00006; gnomAD 0.00007.
gnomAD v4.1: 71 of 1,603,906 alleles (0.0044%); highest among the groups gnomAD compares: African/African-American, 0.008%; no homozygotes.

Submission:

Labcorp Genetics (formerly Invitae), Labcorp
Classification: Uncertain significance. Last evaluated: 2022-02-24. Review status: criteria provided, single submitter. Criteria: Invitae Variant Classification Sherloc (09022015). Collection method: clinical testing. Allele origin: germline.
Comment: This sequence change replaces arginine, which is basic and polar, with histidine, which is basic and polar, at codon 30 of the ORC4 protein (p.Arg30His). This variant is present in population databases (rs772451669, gnomAD 0.004%). This variant has not been reported in the literature in individuals affected with ORC4-related conditions. Algorithms developed to predict the effect of missense changes on protein structure and function output the following: SIFT: "Tolerated"; PolyPhen-2: "Benign"; Align-GVGD: "Class C0". The histidine amino acid residue is found in multiple mammalian species, which suggests that this missense change does not adversely affect protein function. In summary, the available evidence is currently insufficient to determine the role of this variant in disease. Therefore, it has been classified as a Variant of Uncertain Significance.